The following is an entry in ClinVar:

ClinVar aggregate classification (germline): Likely pathogenic (1 of 4 stars; one submission).

Conditions:
Breast-ovarian cancer, familial, susceptibility to, 1 (BROVCA1). Also called: OVARIAN CANCER, SUSCEPTIBILITY TO; BRCA1 Hereditary Breast and Ovarian Cancer. Identifiers: Orphanet 145, MedGen C2676676, MONDO:0011450, OMIM 604370. Disease mechanism: loss of function.

Submission:

Dasa
Classification: Likely pathogenic for Breast-ovarian cancer, familial, susceptibility to, 1. Last evaluated: 2025-03-05. Review status: criteria provided, single submitter. Criteria: DASA Assertion Criteria. Collection method: clinical testing. Allele origin: germline.
Comment: NM_007294.4(BRCA1):c.3114del (p.Ala1039Profs*9) is a frameshift variant in BRCA1 predicted to alter the reading frame and introduce a premature termination codon and is predicted to result in an absent or altered protein product. Loss of function is an established disease mechanism for BRCA1 (PMID: 32375709; PMID: 21989022; PMID: 11802209). Also, this variant is absent from population databases. Based on the currently available evidence, this variant is classified as likely pathogenic.

Literature cited by the submitters: PubMed 30972954; PubMed 32375709; PubMed 21989022; PubMed 11802209.

NM_007294.4(BRCA1):c.3114del (p.Ala1039fs)

Gene: BRCA1 (BRCA1 DNA repair associated; minus strand). Cytogenetic location: 17q21.31.
Variant type: Deletion.
Coding change: c.3114del on transcript NM_007294.4 (MANE Select); coding-DNA position 3114, one base deleted (A; older notation c.3114delA).
Protein change: p.Ala1039fs; shifts the reading frame from alanine 1039.
Molecular consequence: frameshift variant. On other transcripts: intron variant (137).
Genome position (GRCh38, 1-based): chr17:43,092,417, T deleted on the plus strand (A on the coding strand, the reverse complement: BRCA1 is on the minus strand); the first of 2 consecutive T bases (chr17:43,092,417-43,092,418); deleting either gives the same sequence. VCF-style (leftmost placement, unchanged base first): chr17-43092416-CT-C. GRCh37 (hg19) VCF-style: chr17-41244433-CT-C.
Other names: c.2850del, p.Ala951fs (NM_001407935.1, NM_001407920.1, NM_001407921.1 and 9 more transcripts); c.2847del, p.Ala950fs (NM_001407936.1, NM_001407930.1, NM_001407931.1 and 2 more transcripts); c.2991del, p.Ala998fs (NM_001407937.1, NM_001407938.1, NM_001407939.1 and 19 more transcripts); c.2988del, p.Ala997fs (NM_001407940.1, NM_001407941.1, NM_001407649.1 and 11 more transcripts); c.2973del, p.Ala992fs (NM_001407942.1, NM_001407944.1, NM_001407945.1 and 29 more transcripts); c.2970del, p.Ala991fs (NM_001407943.1, NM_001407964.1, NM_001407740.1 and 20 more transcripts); c.2781del, p.Ala928fs (NM_001407946.1, NM_001407947.1, NM_001407948.1 and 6 more transcripts); c.2778del, p.Ala927fs (NM_001407954.1, NM_001407955.1, NM_001407956.1 and 1 more transcripts); and 41 more; short protein forms A1039fs, A992fs, A871fs, A911fs, A912fs, A928fs, A951fs, A991fs.
Identifiers: ClinVar variation 4880627 (VCV004880627.2).